The following is an entry in ClinVar:

NM_001035.3(RYR2):c.1172C>A (p.Ala391Asp)

Gene: RYR2 (ryanodine receptor 2; plus strand). Cytogenetic location: 1q43.
Variant type: single nucleotide variant.
Coding change: c.1172C>A on transcript NM_001035.3 (MANE Select); coding-DNA position 1172, C replaced by A.
Protein change: p.Ala391Asp; replaces alanine 391 with aspartic acid.
Molecular consequence: missense variant.
Genome position (GRCh38, 1-based): chr1:237,445,402, C>A. VCF-style: chr1-237445402-C-A. GRCh37 (hg19) VCF-style: chr1-237608702-C-A.
Other names: short protein forms A391D.
Identifiers: ClinVar variation 1524904 (VCV001524904.9), dbSNP rs374306538, ClinGen allele CA345377303.

ClinVar aggregate classification (germline): Likely pathogenic. Review status: criteria provided, multiple submitters, no conflicts (2 of 4 stars). 2 submissions from 2 submitters: Likely pathogenic (2). Last evaluated 2022-04-18.

Conditions:
Catecholaminergic polymorphic ventricular tachycardia 1. Also called: VENTRICULAR TACHYCARDIA, STRESS-INDUCED POLYMORPHIC 1; VENTRICULAR TACHYCARDIA, CATECHOLAMINERGIC POLYMORPHIC, 1, WITH OR WITHOUT ATRIAL DYSFUNCTION AND/OR DILATED CARDIOMYOPATHY; RYR2-Related Catecholaminergic Polymorphic Ventricular Tachycardia. Identifiers: Orphanet 3286, MedGen C1631597, MONDO:0011484, OMIM 604772.
Cardiovascular phenotype. Identifiers: MedGen CN230736.

Submissions (2):

Ambry Genetics
Classification: Likely pathogenic for Cardiovascular phenotype. Last evaluated: 2022-04-18. Review status: criteria provided, single submitter. Criteria: Ambry Variant Classification Scheme 2023. Collection method: clinical testing. Allele origin: germline.
Comment: The p.A391D variant (also known as c.1172C>A), located in coding exon 14 of the RYR2 gene, results from a C to A substitution at nucleotide position 1172. The alanine at codon 391 is replaced by aspartic acid, an amino acid with dissimilar properties. This variant is considered to be rare based on population cohorts in the Genome Aggregation Database (gnomAD). This amino acid position is highly conserved in available vertebrate species. Based on internal structural analysis, p.A391D is more disruptive to the MIR domain of RYR2 than a nearby internally pathogenic variant (Borko L et al. Acta Crystallogr D Biol Crystallogr, 2014 Nov;70:2897-912). In addition, this alteration is predicted to be deleterious by in silico analysis. Based on the majority of available evidence to date, this variant is likely to be pathogenic.

Labcorp Genetics (formerly Invitae), Labcorp
Classification: Likely pathogenic for Catecholaminergic polymorphic ventricular tachycardia 1. Last evaluated: 2021-10-05. Review status: criteria provided, single submitter. Criteria: Invitae Variant Classification Sherloc (09022015). Collection method: clinical testing. Allele origin: germline.
Comment: This sequence change replaces alanine with aspartic acid at codon 391 of the RYR2 protein (p.Ala391Asp). The alanine residue is highly conserved and there is a moderate physicochemical difference between alanine and aspartic acid. This variant is not present in population databases (ExAC no frequency). This missense change has been observed in individual(s) with clinical features of RYR2-related conditions (Invitae). In at least one individual the variant was observed to be de novo. Algorithms developed to predict the effect of missense changes on protein structure and function (SIFT, PolyPhen-2, Align-GVGD) all suggest that this variant is likely to be disruptive. In summary, the currently available evidence indicates that the variant is pathogenic, but additional data are needed to prove that conclusively. Therefore, this variant has been classified as Likely Pathogenic.

Literature cited by the submitters: PubMed 25372681 (cited by Ambry Genetics).